The following is an entry in ClinVar:

NM_002471.4(MYH6):c.2815A>G (p.Thr939Ala)

Gene: MYH6 (myosin heavy chain 6; minus strand). Cytogenetic location: 14q11.2.
Variant type: single nucleotide variant.
Coding change: c.2815A>G on transcript NM_002471.4 (MANE Select); coding-DNA position 2815, A replaced by G.
Protein change: p.Thr939Ala; replaces threonine 939 with alanine.
Molecular consequence: missense variant.
Genome position (GRCh38, 1-based): chr14:23,393,779, T>C on the plus strand (A>G on the coding strand, the complement: MYH6 is on the minus strand). VCF-style: chr14-23393779-T-C. GRCh37 (hg19) VCF-style: chr14-23862988-T-C.
Other names: short protein forms T939A.
Identifiers: ClinVar variation 4705934 (VCV004705934.1).
Genomic context (GRCh38, chr14:23,393,779, plus strand): 5'-GGTCATCAATGTCCTTCTTGAGCTCTGAGCACTCGTCTTCCAGCTTGCGCTTCTTGGCAG[T>C]GAGCTCCGCGTTCATCTCCTCCTCATCCTCCAGCCTCTCATTCATCTCCTTTACTTTGGC-3'
Protein context (NP_002462.2, residues 929-949): EDEEEMNAEL[Thr939Ala]AKKRKLEDEC

ClinVar aggregate classification (germline): Uncertain significance (1 of 4 stars; one submission).

Conditions:
Hypertrophic cardiomyopathy 14. Identifiers: MedGen C2750467, MONDO:0013197, OMIM 613251.

gnomAD v4.1: 1 of 1,614,238 alleles (0.000062%); highest among the groups gnomAD compares: Non-Finnish European, 0.000085%; no homozygotes.

Submission:

Labcorp Genetics (formerly Invitae), Labcorp
Classification: Uncertain significance for Hypertrophic cardiomyopathy 14. Last evaluated: 2025-05-23. Review status: criteria provided, single submitter. Criteria: Invitae Variant Classification Sherloc (09022015). Collection method: clinical testing. Allele origin: germline.
Comment: This sequence change replaces threonine, which is neutral and polar, with alanine, which is neutral and non-polar, at codon 939 of the MYH6 protein (p.Thr939Ala). This variant is not present in population databases (gnomAD no frequency). This variant has not been reported in the literature in individuals affected with MYH6-related conditions. Invitae Evidence Modeling of protein sequence and biophysical properties (such as structural, functional, and spatial information, amino acid conservation, physicochemical variation, residue mobility, and thermodynamic stability) indicates that this missense variant is not expected to disrupt MYH6 protein function with a negative predictive value of 80%. In summary, the available evidence is currently insufficient to determine the role of this variant in disease. Therefore, it has been classified as a Variant of Uncertain Significance.